The following is an entry in ClinVar:

NM_003560.4(PLA2G6):c.2091G>C (p.Arg697Ser)

Gene: PLA2G6 (phospholipase A2 group VI; minus strand). Cytogenetic location: 22q13.1.
Variant type: single nucleotide variant.
Coding change: c.2091G>C on transcript NM_003560.4 (MANE Select); coding-DNA position 2091, G replaced by C.
Protein change: p.Arg697Ser; replaces arginine 697 with serine.
Molecular consequence: missense variant.
Genome position (GRCh38, 1-based): chr22:38,113,598, C>G on the plus strand (G>C on the coding strand, the complement: PLA2G6 is on the minus strand). VCF-style: chr22-38113598-C-G. GRCh37 (hg19) VCF-style: chr22-38509605-C-G.
Other names: c.1929G>C, p.Arg643Ser (NM_001004426.3, NM_001199562.3, NM_001349865.2 and 1 more transcripts); c.2091G>C, p.Arg697Ser (NM_001349864.2); c.1557G>C, p.Arg519Ser (NM_001349867.2); c.1413G>C, p.Arg471Ser (NM_001349868.2); c.1395G>C, p.Arg465Ser (NM_001349869.2); short protein forms R465S, R471S, R643S, R519S, R697S.
Identifiers: ClinVar variation 2037203 (VCV002037203.4), dbSNP rs2517917864, ClinGen allele CA411523963.
Genomic context (GRCh38, chr22:38,113,598, plus strand): 5'-CAGCTCCCAGGGGTTGCTGGGACGGAAGACATCCACACAGGTCACAGGCACTTGTGGGGA[C>G]CTCCCTGTCCCCAGGGAGACAACGATGGAGAGTTTCTTCACCTTGTTGGCCTGACCCTGT-3'
Protein context (NP_003551.2, residues 687-707): LSIVVSLGTG[Arg697Ser]SPQVPVTCVD

ClinVar aggregate classification (germline): Uncertain significance (1 of 4 stars; one submission).

Conditions:
Infantile neuroaxonal dystrophy (NBIA2A). Also called: NEURODEGENERATION WITH BRAIN IRON ACCUMULATION 2A; SEITELBERGER DISEASE; Infantile neuroaxonal dystrophy 1. Identifiers: Orphanet 35069, MedGen C0270724, MONDO:0024457, OMIM 256600.

Submission:

Labcorp Genetics (formerly Invitae), Labcorp
Classification: Uncertain significance for Infantile neuroaxonal dystrophy. Last evaluated: 2025-01-06. Review status: criteria provided, single submitter. Criteria: Invitae Variant Classification Sherloc (09022015). Collection method: clinical testing. Allele origin: germline.
Comment: This sequence change replaces arginine, which is basic and polar, with serine, which is neutral and polar, at codon 697 of the PLA2G6 protein (p.Arg697Ser). This variant is not present in population databases (gnomAD no frequency). This variant has not been reported in the literature in individuals affected with PLA2G6-related conditions. ClinVar contains an entry for this variant (Variation ID: 2037203). Invitae Evidence Modeling of protein sequence and biophysical properties (such as structural, functional, and spatial information, amino acid conservation, physicochemical variation, residue mobility, and thermodynamic stability) indicates that this missense variant is not expected to disrupt PLA2G6 protein function with a negative predictive value of 80%. In summary, the available evidence is currently insufficient to determine the role of this variant in disease. Therefore, it has been classified as a Variant of Uncertain Significance.